The following is an entry in ClinVar:

ClinVar aggregate classification (germline): Uncertain significance (1 of 4 stars; one submission).

Conditions:
Inborn genetic diseases. Identifiers: MedGen C0950123, MeSH D030342.

Submission:

Ambry Genetics
Classification: Uncertain significance for Inborn genetic diseases. Last evaluated: 2024-02-28. Review status: criteria provided, single submitter. Criteria: Ambry Variant Classification Scheme 2023. Collection method: clinical testing. Allele origin: germline.
Comment: The p.E2117Q variant (also known as c.6349G>C), located in coding exon 43 of the LRRK2 gene, results from a G to C substitution at nucleotide position 6349. The glutamic acid at codon 2117 is replaced by glutamine, an amino acid with highly similar properties. This amino acid position is conserved. In addition, the in silico prediction for this alteration is inconclusive. Based on the available evidence, the clinical significance of this alteration remains unclear.

NM_198578.4(LRRK2):c.6349G>C (p.Glu2117Gln)

Gene: LRRK2 (leucine rich repeat kinase 2; plus strand). Cytogenetic location: 12q12.
Variant type: single nucleotide variant.
Coding change: c.6349G>C on transcript NM_198578.4 (MANE Select); coding-DNA position 6349, G replaced by C.
Protein change: p.Glu2117Gln; replaces glutamic acid 2117 with glutamine.
Molecular consequence: missense variant.
Genome position (GRCh38, 1-based): chr12:40,348,477, G>C. VCF-style: chr12-40348477-G-C. GRCh37 (hg19) VCF-style: chr12-40742279-G-C.
Other names: short protein forms E2117Q.
Identifiers: ClinVar variation 3229727 (VCV003229727.1), dbSNP rs2499972743, ClinGen allele CA384406210.